The following is an entry in ClinVar:

NM_000531.6(OTC):c.919A>G (p.Lys307Glu)

Gene: OTC (ornithine transcarbamylase; plus strand). Cytogenetic location: Xp11.4.
Variant type: single nucleotide variant.
Coding change: c.919A>G on transcript NM_000531.6 (MANE Select); coding-DNA position 919, A replaced by G.
Protein change: p.Lys307Glu; replaces lysine 307 with glutamic acid.
Molecular consequence: missense variant.
Genome position (GRCh38, 1-based): chrX:38,411,913, A>G. VCF-style: chrX-38411913-A-G. GRCh37 (hg19) VCF-style: chrX-38271166-A-G.
Other names: p.K307E:AAG>GAG; short protein forms K307E.
Identifiers: ClinVar variation 203867 (VCV000203867.13), dbSNP rs796052013, ClinGen allele CA312799.
Genomic context (GRCh38, chrX:38,411,913, plus strand): 5'-TCTCTTTAGACTGCTAAAGTTGCTGCCTCTGACTGGACATTTTTACACTGCTTGCCCAGA[A>G]AGCCAGAAGAAGTGGATGATGAAGTCTTTTATTCTCCTCGATCACTAGTGTTCCCAGAGG-3'
Protein context (NP_000522.3, residues 297-317): DWTFLHCLPR[Lys307Glu]PEEVDDEVFY

ClinVar aggregate classification (germline): Conflicting classifications of pathogenicity. Review status: criteria provided, conflicting classifications (1 of 4 stars). 3 submissions from 3 submitters: Pathogenic (2); Uncertain significance (1). Last evaluated 2025-03-03.

Conditions:
Ornithine carbamoyltransferase deficiency (OTCD). Also called: OTC DEFICIENCY; ORNITHINE TRANSCARBAMYLASE DEFICIENCY; ORNITHINE TRANSCARBAMYLASE DEFICIENCY, HYPERAMMONEMIA DUE TO; Ornithine Carbamoyltransferase Deficiency Disease. Identifiers: Orphanet 664, MedGen C0268542, MONDO:0010703, OMIM 311250.

Submissions (3):

Labcorp Genetics (formerly Invitae), Labcorp
Classification: Pathogenic for Ornithine carbamoyltransferase deficiency. Last evaluated: 2025-03-03. Review status: criteria provided, single submitter. Criteria: Invitae Variant Classification Sherloc (09022015). Collection method: clinical testing. Allele origin: germline.
Comment: This sequence change replaces lysine, which is basic and polar, with glutamic acid, which is acidic and polar, at codon 307 of the OTC protein (p.Lys307Glu). This variant is not present in population databases (gnomAD no frequency). This missense change has been observed in individual(s) with OTC-related conditions (PMID: 33272297, 34014557; internal data). ClinVar contains an entry for this variant (Variation ID: 203867). Invitae Evidence Modeling of protein sequence and biophysical properties (such as structural, functional, and spatial information, amino acid conservation, physicochemical variation, residue mobility, and thermodynamic stability) indicates that this missense variant is expected to disrupt OTC protein function with a positive predictive value of 95%. For these reasons, this variant has been classified as Pathogenic.

Genome-Nilou Lab
Classification: Uncertain significance for Ornithine carbamoyltransferase deficiency. Last evaluated: 2021-11-07. Review status: criteria provided, single submitter. Criteria: ACMG Guidelines, 2015. Collection method: clinical testing. Allele origin: germline. Affected: no.

GeneDx
Classification: Pathogenic. Last evaluated: 2015-07-06. Review status: criteria provided, single submitter. Criteria: GeneDx Variant Classification (06012015). Collection method: clinical testing. Allele origin: germline. Affected: yes.
Comment: It has not been published as a mutation, nor has it been reported as a benign polymorphism to our knowledge. The amino acid change is non-conservative in that a positively charged Lysine residue is replaced by a negatively charged Glutamic Acid residue at a position that is near the ornithine binding site in a region of the ornithine transcarbamylase protein that is well conserved in vertebrates (Sakurai et al., 2007; Yamaguchi et al., 2006). Therefore, we interpret K307E to be a disease-associated mutation. The variant is found in OTC panel(s).

Literature cited by the submitters: PubMed 33272297 (cited by Labcorp Genetics (formerly Invitae), Labcorp); PubMed 34014557 (cited by Labcorp Genetics (formerly Invitae), Labcorp).